The following is an entry in ClinVar:

NM_153603.4(COG7):c.1949C>G (p.Ser650Cys)

Gene: COG7 (component of oligomeric golgi complex 7; minus strand). Cytogenetic location: 16p12.2.
Variant type: single nucleotide variant.
Coding change: c.1949C>G on transcript NM_153603.4 (MANE Select); coding-DNA position 1949, C replaced by G.
Protein change: p.Ser650Cys; replaces serine 650 with cysteine.
Molecular consequence: missense variant.
Genome position (GRCh38, 1-based): chr16:23,393,286, G>C on the plus strand (C>G on the coding strand, the complement: COG7 is on the minus strand). VCF-style: chr16-23393286-G-C. GRCh37 (hg19) VCF-style: chr16-23404607-G-C.
Other names: short protein forms S650C.
Identifiers: ClinVar variation 1030289 (VCV001030289.1), dbSNP rs1963230461, ClinGen allele CA395116844.

ClinVar aggregate classification (germline): Uncertain significance (1 of 4 stars; one submission).

Conditions:
COG7 congenital disorder of glycosylation (CDG2E). Also called: CONGENITAL DISORDER OF GLYCOSYLATION, TYPE IIe; CDG IIe. Identifiers: Orphanet 79333, MedGen C2931010, MONDO:0012118, OMIM 608779.

gnomAD v4.1: 1 of 1,614,180 alleles (0.000062%); no homozygotes.

Submission:

Baylor Genetics
Classification: Uncertain significance for COG7 congenital disorder of glycosylation. Last evaluated: 2019-05-10. Review status: criteria provided, single submitter. Criteria: ACMG Guidelines, 2015. Collection method: clinical testing. Allele origin: unknown. Affected: yes.
Comment: This variant was determined to be of uncertain significance according to ACMG Guidelines, 2015 [PMID:25741868].